The following is an entry in ClinVar:

ClinVar aggregate classification (germline): Benign/Likely benign. Review status: criteria provided, multiple submitters, no conflicts (2 of 4 stars). 3 submissions from 3 submitters: Benign (1); Likely benign (2). Last evaluated 2024-08-09.

Conditions:
Hereditary cancer-predisposing syndrome. Also called: Neoplastic Syndromes, Hereditary; Tumor predisposition; Hereditary neoplastic syndrome; Hereditary Cancer Syndrome. Identifiers: Orphanet 140162, MedGen C0027672, MeSH D009386, MONDO:0015356.
Familial cancer of breast. Also called: BREAST CANCER, FAMILIAL; hereditary breast carcinoma; Hereditary breast cancer. Identifiers: Orphanet 227535, MedGen C0346153, MONDO:0016419, OMIM 114480. Disease mechanism: loss of function.
Fanconi anemia complementation group J. Also called: BRIP1-Related Fanconi Anemia. Identifiers: Orphanet 84, MedGen C1836860, MONDO:0012187, OMIM 609054.

Allele frequency attached by ClinVar (database versions not stated): gnomAD 0.00001.
gnomAD v4.1: 1 of 1,614,026 alleles (0.000062%); highest among the groups gnomAD compares: East Asian, 0.0022%; no homozygotes.

Submissions (3):

Myriad Genetics, Inc.
Classification: Benign for Familial cancer of breast. Last evaluated: 2024-08-09. Review status: criteria provided, single submitter. Criteria: Myriad Autosomal Dominant, Autosomal Recessive and X-Linked Classification Criteria (2023). Collection method: clinical testing. Allele origin: unknown.
Comment: This variant is considered benign. This variant is a silent/synonymous amino acid change and it is not expected to impact splicing.

Labcorp Genetics (formerly Invitae), Labcorp
Classification: Likely benign for Familial cancer of breast; Fanconi anemia complementation group J. Last evaluated: 2024-01-16. Review status: criteria provided, single submitter. Criteria: Invitae Variant Classification Sherloc (09022015). Collection method: clinical testing. Allele origin: germline.

Ambry Genetics
Classification: Likely benign for Hereditary cancer-predisposing syndrome. Last evaluated: 2015-11-26. Review status: criteria provided, single submitter. Criteria: Ambry Variant Classification Scheme 2023. Collection method: clinical testing. Allele origin: germline.

NM_032043.3(BRIP1):c.255A>G (p.Ser85=)

Gene: BRIP1 (BRCA1 interacting DNA helicase 1; minus strand). Cytogenetic location: 17q23.2.
Variant type: single nucleotide variant.
Coding change: c.255A>G on transcript NM_032043.3 (MANE Select); coding-DNA position 255, A replaced by G.
Protein change: p.Ser85=; no amino-acid change (serine 85 retained).
Molecular consequence: synonymous variant.
Genome position (GRCh38, 1-based): chr17:61,857,182, T>C on the plus strand (A>G on the coding strand, the complement: BRIP1 is on the minus strand). VCF-style: chr17-61857182-T-C. GRCh37 (hg19) VCF-style: chr17-59934543-T-C.
Identifiers: ClinVar variation 1793054 (VCV001793054.6), dbSNP rs2078909755, ClinGen allele CA501151417.